The following is an entry in ClinVar:

ClinVar aggregate classification (germline): Uncertain significance (1 of 4 stars; one submission).

Submission:

Ambry Genetics
Classification: Uncertain significance. Last evaluated: 2023-11-18. Review status: criteria provided, single submitter. Criteria: Ambry Variant Classification Scheme 2023. Collection method: clinical testing. Allele origin: germline.
Comment: The p.Y53N variant (also known as c.157T>A), located in coding exon 1 of the BUB3 gene, results from a T to A substitution at nucleotide position 157. The tyrosine at codon 53 is replaced by asparagine, an amino acid with dissimilar properties. This amino acid position is conserved. In addition, this alteration is predicted to be deleterious by in silico analysis. Since supporting evidence is limited at this time, the clinical significance of this alteration remains unclear.

NM_004725.4(BUB3):c.157T>A (p.Tyr53Asn)

Gene: BUB3 (BUB3 mitotic checkpoint protein; plus strand). Cytogenetic location: 10q26.13.
Variant type: single nucleotide variant.
Coding change: c.157T>A on transcript NM_004725.4 (MANE Select); coding-DNA position 157, T replaced by A.
Protein change: p.Tyr53Asn; replaces tyrosine 53 with asparagine.
Molecular consequence: missense variant.
Genome position (GRCh38, 1-based): chr10:123,155,074, T>A. VCF-style: chr10-123155074-T-A. GRCh37 (hg19) VCF-style: chr10-124914590-T-A.
Other names: c.157T>A, p.Tyr53Asn (NM_001007793.3); short protein forms Y53N.
Identifiers: ClinVar variation 3224491 (VCV003224491.1), dbSNP rs1356015348, ClinGen allele CA378625055.